The following is an entry in ClinVar:

NM_000245.4(MET):c.2488T>C (p.Tyr830His)

Gene: MET (MET proto-oncogene, receptor tyrosine kinase; plus strand). Cytogenetic location: 7q31.2.
Variant type: single nucleotide variant.
Coding change: c.2488T>C on transcript NM_000245.4 (MANE Select); coding-DNA position 2488, T replaced by C.
Protein change: p.Tyr830His; replaces tyrosine 830 with histidine.
Molecular consequence: missense variant.
Genome position (GRCh38, 1-based): chr7:116,763,173, T>C. VCF-style: chr7-116763173-T-C. GRCh37 (hg19) VCF-style: chr7-116403227-T-C.
Other names: c.2542T>C, p.Tyr848His (NM_001127500.3); c.2488T>C, p.Tyr830His (NM_001324401.3); c.1198T>C, p.Tyr400His (NM_001324402.2); short protein forms Y400H, Y848H, Y830H.
Identifiers: ClinVar variation 852179 (VCV000852179.17), dbSNP rs1794468017, ClinGen allele CA368983387.

ClinVar aggregate classification (germline): Conflicting classifications of pathogenicity. Review status: criteria provided, conflicting classifications (1 of 4 stars). 3 submissions from 3 submitters: Uncertain significance (2); Likely benign (1). Last evaluated 2026-09-11.

Conditions:
Renal cell carcinoma. Identifiers: Orphanet 217071, MedGen C0007134, MeSH D002292, MONDO:0005086, HP:0005584.
Autosomal recessive nonsyndromic hearing loss 97. Also called: Deafness, autosomal recessive 97. Identifiers: Orphanet 90636, MedGen C4084709, MONDO:0014739, OMIM 616705.
Hereditary cancer-predisposing syndrome. Also called: Tumor predisposition; Hereditary neoplastic syndrome; Neoplastic Syndromes, Hereditary; Hereditary Cancer Syndrome. Identifiers: Orphanet 140162, MedGen C0027672, MeSH D009386, MONDO:0015356.

Allele frequency attached by ClinVar (database versions not stated): gnomAD exomes below 0.00001.
gnomAD v4.1: 4 of 1,614,080 alleles (0.00025%); highest among the groups gnomAD compares: Non-Finnish European, 0.00034%; no homozygotes.

Submissions (3):

Ambry Genetics
Classification: Likely benign for Hereditary cancer-predisposing syndrome. Last evaluated: 2026-09-11. Review status: criteria provided, single submitter. Criteria: Ambry Variant Classification Scheme 2023. Collection method: clinical testing. Allele origin: germline.

Labcorp Genetics (formerly Invitae), Labcorp
Classification: Uncertain significance for Renal cell carcinoma. Last evaluated: 2025-04-08. Review status: criteria provided, single submitter. Criteria: Invitae Variant Classification Sherloc (09022015). Collection method: clinical testing. Allele origin: germline.
Comment: This sequence change replaces tyrosine, which is neutral and polar, with histidine, which is basic and polar, at codon 848 of the MET protein (p.Tyr848His). This variant is not present in population databases (gnomAD no frequency). This variant has not been reported in the literature in individuals affected with MET-related conditions. ClinVar contains an entry for this variant (Variation ID: 852179). An algorithm developed to predict the effect of missense changes on protein structure and function outputs the following: PolyPhen-2: "Benign". The histidine amino acid residue is found in multiple mammalian species, which suggests that this missense change does not adversely affect protein function. In summary, the available evidence is currently insufficient to determine the role of this variant in disease. Therefore, it has been classified as a Variant of Uncertain Significance.

Baylor Genetics
Classification: Uncertain significance for Autosomal recessive nonsyndromic hearing loss 97. Last evaluated: 2024-01-26. Review status: criteria provided, single submitter. Criteria: ACMG Guidelines, 2015. Collection method: clinical testing. Allele origin: unknown.